The following is an entry in ClinVar:

ClinVar aggregate classification (germline): Benign (1 of 4 stars; one submission).

Allele frequency attached by ClinVar (database versions not stated): TOPMed 0.13041; 1000 Genomes Project 30x 0.13398; gnomAD 0.13464 and 0.13800; 1000 Genomes Project 0.13838.
gnomAD v4.1: 20,985 of 152,066 alleles (14%); highest among the groups gnomAD compares: South Asian, 20%; 1,588 homozygotes.

Submission:

GeneDx
Classification: Benign. Last evaluated: 2018-06-16. Review status: criteria provided, single submitter. Criteria: GeneDx Variant Classification (06012015). Collection method: clinical testing. Allele origin: germline. Affected: yes.
Comment: This variant is considered likely benign or benign based on one or more of the following criteria: it is a conservative change, it occurs at a poorly conserved position in the protein, it is predicted to be benign by multiple in silico algorithms, and/or has population frequency not consistent with disease.

NM_007347.5(AP4E1):c.869+281C>G

Gene: AP4E1 (adaptor related protein complex 4 subunit epsilon 1; plus strand). Cytogenetic location: 15q21.2.
Variant type: single nucleotide variant.
Coding change: c.869+281C>G on transcript NM_007347.5 (MANE Select); 281 bases into the intron after coding-DNA position 869, C replaced by G.
Molecular consequence: intron variant.
Genome position (GRCh38, 1-based): chr15:50,931,252, C>G. VCF-style: chr15-50931252-C-G. GRCh37 (hg19) VCF-style: chr15-51223449-C-G.
Other names: c.644+281C>G (NM_001252127.2).
Identifiers: ClinVar variation 667967 (VCV000667967.1), dbSNP rs8032236, ClinGen allele CA14170326.